The following is an entry in ClinVar:

NM_182914.3(SYNE2):c.2908G>A (p.Gly970Arg)

Gene: SYNE2 (spectrin repeat containing nuclear envelope protein 2; plus strand). Cytogenetic location: 14q23.2.
Variant type: single nucleotide variant.
Coding change: c.2908G>A on transcript NM_182914.3 (MANE Select); coding-DNA position 2908, G replaced by A.
Protein change: p.Gly970Arg; replaces glycine 970 with arginine.
Molecular consequence: missense variant.
Genome position (GRCh38, 1-based): chr14:63,995,170, G>A. VCF-style: chr14-63995170-G-A. GRCh37 (hg19) VCF-style: chr14-64461888-G-A.
Other names: c.2908G>A, p.Gly970Arg (NM_015180.6); short protein forms G970R.
Identifiers: ClinVar variation 946208 (VCV000946208.9), dbSNP rs767335788, ClinGen allele CA261841118.

ClinVar aggregate classification (germline): Uncertain significance (1 of 4 stars; one submission).

Conditions:
Emery-Dreifuss muscular dystrophy 5, autosomal dominant (EDMD5). Also called: EMERY-DREIFUSS MUSCULAR DYSTROPHY 5. Identifiers: Orphanet 261, MedGen C2751805, MONDO:0013072, OMIM 612999.

Allele frequency attached by ClinVar (database versions not stated): TOPMed below 0.00001; gnomAD exomes 0.00002.
gnomAD v4.1: 30 of 1,607,844 alleles (0.0019%); highest among the groups gnomAD compares: Non-Finnish European, 0.0025%; no homozygotes.

Submission:

Labcorp Genetics (formerly Invitae), Labcorp
Classification: Uncertain significance for Emery-Dreifuss muscular dystrophy 5, autosomal dominant. Last evaluated: 2022-07-19. Review status: criteria provided, single submitter. Criteria: Invitae Variant Classification Sherloc (09022015). Collection method: clinical testing. Allele origin: germline.
Comment: In summary, the available evidence is currently insufficient to determine the role of this variant in disease. Therefore, it has been classified as a Variant of Uncertain Significance. Algorithms developed to predict the effect of missense changes on protein structure and function are either unavailable or do not agree on the potential impact of this missense change (SIFT: "Tolerated"; PolyPhen-2: "Probably Damaging"; Align-GVGD: "Class C0"). ClinVar contains an entry for this variant (Variation ID: 946208). This variant has not been reported in the literature in individuals affected with SYNE2-related conditions. This variant is not present in population databases (gnomAD no frequency). This sequence change replaces glycine, which is neutral and non-polar, with arginine, which is basic and polar, at codon 970 of the SYNE2 protein (p.Gly970Arg).